The following is an entry in ClinVar:

NM_016333.4(SRRM2):c.2177C>T (p.Ser726Leu)

Gene: SRRM2 (serine/arginine repetitive matrix 2; plus strand). Cytogenetic location: 16p13.3.
Variant type: single nucleotide variant.
Coding change: c.2177C>T on transcript NM_016333.4 (MANE Select); coding-DNA position 2177, C replaced by T.
Protein change: p.Ser726Leu; replaces serine 726 with leucine.
Molecular consequence: missense variant.
Genome position (GRCh38, 1-based): chr16:2,762,705, C>T. VCF-style: chr16-2762705-C-T. GRCh37 (hg19) VCF-style: chr16-2812706-C-T.
Other names: short protein forms S726L.
Identifiers: ClinVar variation 5036941 (VCV005036941.1).

ClinVar aggregate classification (germline): Uncertain significance (1 of 4 stars; one submission).

gnomAD v4.1: 4 of 1,614,198 alleles (0.00025%); highest among the groups gnomAD compares: Non-Finnish European, 0.00034%; no homozygotes.

Submission:

GeneDx
Classification: Uncertain significance. Last evaluated: 2026-04-04. Review status: criteria provided, single submitter. Criteria: GeneDx Variant Classification Process June 2021. Collection method: clinical testing. Allele origin: germline.
Comment: Not observed at significant frequency in large population cohorts (gnomAD); In silico analysis supports that this missense variant has a deleterious effect on protein structure/function; Has not been previously published as pathogenic or benign to our knowledge